The following is an entry in ClinVar:

ClinVar aggregate classification (germline): Uncertain significance. Review status: criteria provided, multiple submitters, no conflicts (2 of 4 stars). 2 submissions from 2 submitters: Uncertain significance (2). Last evaluated 2024-08-05.

Conditions:
Neurodegeneration with brain iron accumulation 5 (NBIA5). Also called: STATIC ENCEPHALOPATHY OF CHILDHOOD WITH NEURODEGENERATION IN ADULTHOOD; Beta-propeller protein-associated neurodegeneration. Identifiers: Orphanet 329284, MedGen C3550973, MONDO:0010476, OMIM 300894.

Allele frequency attached by ClinVar (database versions not stated): ExAC 0.00001; gnomAD 0.00001; gnomAD exomes 0.00001; TOPMed 0.00001.
gnomAD v4.1: 11 of 1,208,799 alleles (0.00091%); highest among the groups gnomAD compares: East Asian, 0.003%; no homozygotes.

Submissions (2):

Labcorp Genetics (formerly Invitae), Labcorp
Classification: Uncertain significance for Neurodegeneration with brain iron accumulation 5. Last evaluated: 2024-08-05. Review status: criteria provided, single submitter. Criteria: Invitae Variant Classification Sherloc (09022015). Collection method: clinical testing. Allele origin: germline.
Comment: This sequence change replaces arginine, which is basic and polar, with cysteine, which is neutral and slightly polar, at codon 112 of the WDR45 protein (p.Arg112Cys). The frequency data for this variant in the population databases is considered unreliable, as metrics indicate poor data quality at this position in the gnomAD database. This variant has not been reported in the literature in individuals affected with WDR45-related conditions. ClinVar contains an entry for this variant (Variation ID: 1698422). Advanced modeling of protein sequence and biophysical properties (such as structural, functional, and spatial information, amino acid conservation, physicochemical variation, residue mobility, and thermodynamic stability) performed at Invitae indicates that this missense variant is not expected to disrupt WDR45 protein function with a negative predictive value of 80%. In summary, the available evidence is currently insufficient to determine the role of this variant in disease. Therefore, it has been classified as a Variant of Uncertain Significance.

Department of Neurology, Xijing Hospital, Fourth Military Medical University
Classification: Uncertain significance for Neurodegeneration with brain iron accumulation 5. Last evaluated: 2022-03-01. Review status: criteria provided, single submitter. Criteria: ACMG Guidelines, 2015. Collection method: clinical testing. Allele origin: germline.

NM_001029896.2(WDR45):c.331C>T (p.Arg111Cys)

Gene: WDR45 (WD repeat domain 45; minus strand). Cytogenetic location: Xp11.23.
Variant type: single nucleotide variant.
Coding change: c.331C>T on transcript NM_001029896.2 (MANE Select); coding-DNA position 331, C replaced by T.
Protein change: p.Arg111Cys; replaces arginine 111 with cysteine.
Molecular consequence: missense variant.
Genome position (GRCh38, 1-based): chrX:49,076,655, G>A on the plus strand (C>T on the coding strand, the complement: WDR45 is on the minus strand). VCF-style: chrX-49076655-G-A. GRCh37 (hg19) VCF-style: chrX-48934314-G-A.
Other names: c.334C>T, p.Arg112Cys (NM_007075.4); short protein forms R111C, R112C.
Identifiers: ClinVar variation 1698422 (VCV001698422.6), dbSNP rs781985024, ClinGen allele CA10408567.